The following is an entry in ClinVar:

NM_003074.4(SMARCC1):c.2533dup (p.Cys845fs)

Gene: SMARCC1 (SWI/SNF related BAF chromatin remodeling complex subunit C1; minus strand). Cytogenetic location: 3p21.31.
Variant type: Duplication.
Coding change: c.2533dup on transcript NM_003074.4 (MANE Select); coding-DNA position 2533, one base duplicated (T; older notation c.2533dupT).
Protein change: p.Cys845fs; shifts the reading frame from cysteine 845.
Molecular consequence: frameshift variant.
Genome position (GRCh38, 1-based): chr3:47,635,303, A duplicated on the plus strand (T on the coding strand, the reverse complement: SMARCC1 is on the minus strand). VCF-style (leftmost placement, unchanged base first): chr3-47635302-C-CA. GRCh37 (hg19) VCF-style: chr3-47676792-C-CA.
Other names: short protein forms C845fs.
Identifiers: ClinVar variation 2632948 (VCV002632948.1), dbSNP rs2549162851, ClinGen allele CA2695197896.

ClinVar aggregate classification (germline): Uncertain significance (1 of 4 stars; one submission).

Conditions:
SMARCC1-related disorder. Also called: SMARCC1-related condition.

Submission:

PreventionGenetics, part of Exact Sciences
Classification: Uncertain significance for SMARCC1-related condition. Last evaluated: 2023-05-18. Review status: criteria provided, single submitter. Criteria: ACMG Guidelines, 2015. Collection method: clinical testing. Allele origin: germline.
Comment: The SMARCC1 c.2533dupT variant is predicted to result in a frameshift and premature protein termination (p.Cys845Leufs*2). To our knowledge, this variant has not been reported in the literature or in a large population database, indicating this variant is rare. This gene is intolerant to loss of function changes on the whole; however only a small number of termination variants have been reported as causative. Although we suspect that this variant may be pathogenic, at this time, the clinical significance of this variant is uncertain due to the absence of conclusive functional and genetic evidence.